The following is an entry in ClinVar:

NM_003384.3(VRK1):c.537_544del (p.Ala180fs)

Gene: VRK1 (VRK serine/threonine kinase 1; plus strand). Cytogenetic location: 14q32.2.
Variant type: Deletion.
Coding change: c.537_544del on transcript NM_003384.3 (MANE Select); coding-DNA positions 537 to 544, 8 bases deleted (GGCCTCAA; older notation c.537_544delGGCCTCAA).
Protein change: p.Ala180fs; shifts the reading frame from alanine 180.
Molecular consequence: frameshift variant.
Genome position (GRCh38, 1-based): chr14:96,853,127-96,853,134, GGCCTCAA deleted; deleting any 8 consecutive bases within chr14:96,853,123-96,853,134 gives the same sequence; the c. name uses the placement nearest the transcript's 3' end. VCF-style (leftmost placement, unchanged base first): chr14-96853122-ATCAAGGCC-A. GRCh37 (hg19) VCF-style: chr14-97319459-ATCAAGGCC-A.
Other names: c.537_544del, p.Ala180fs (NM_001411051.1, NM_001411053.1); short protein forms A180fs.
Identifiers: ClinVar variation 5016006 (VCV005016006.1).

ClinVar aggregate classification (germline): Pathogenic (1 of 4 stars; one submission).

Conditions:
Pontocerebellar hypoplasia type 1A (PCH1A). Also called: PONTOCEREBELLAR HYPOPLASIA WITH ANTERIOR HORN CELL DISEASE; PONTOCEREBELLAR HYPOPLASIA WITH INFANTILE SPINAL MUSCULAR ATROPHY. Identifiers: Orphanet 2254, Orphanet 88616, MedGen C1843504, MONDO:0011866, OMIM 607596.

Submission:

Myriad Genetics, Inc.
Classification: Pathogenic for Pontocerebellar hypoplasia type 1A. Last evaluated: 2026-06-08. Review status: criteria provided, single submitter. Criteria: Myriad Autosomal Dominant, Autosomal Recessive and X-Linked Classification Criteria (2023). Collection method: clinical testing. Allele origin: unknown.
Comment: NM_003384.2(VRK1):c.537_544del8(A180Sfs*9) is expected to be pathogenic in the context of pontocerebellar hypoplasia, VRK1-related. This variant is predicted to lead to an abnormal or absent protein product due to the creation of a premature termination codon in VRK1, a gene where loss-of-function variants are known to be pathogenic. Please note: this variant was assessed in the context of healthy population screening.